The following is an entry in ClinVar:

ClinVar aggregate classification (germline): Uncertain significance. Review status: criteria provided, multiple submitters, no conflicts (2 of 4 stars). 3 submissions from 3 submitters: Uncertain significance (3). Last evaluated 2026-03-03.

Conditions:
Primary ciliary dyskinesia. Also called: Ciliary dyskinesia. Identifiers: Orphanet 244, MedGen C0008780, MONDO:0016575, HP:0012265.
Primary ciliary dyskinesia 11. Also called: CILIARY DYSKINESIA, PRIMARY, 11, WITHOUT SITUS INVERSUS. Identifiers: Orphanet 244, MedGen C2675229, MONDO:0012978, OMIM 612649.

Allele frequency attached by ClinVar (database versions not stated): ExAC 0.00013; gnomAD 0.00013 and 0.00014; gnomAD exomes 0.00014; ESP Exome Variant Server 0.00015; TOPMed 0.00017; 1000 Genomes Project 30x 0.00031; 1000 Genomes Project 0.00040.
gnomAD v4.1: 314 of 1,614,132 alleles (0.019%); highest among the groups gnomAD compares: Non-Finnish European, 0.025%; no homozygotes.

Submissions (3):

GeneDx
Classification: Uncertain significance. Last evaluated: 2026-03-03. Review status: criteria provided, single submitter. Criteria: GeneDx Variant Classification Process June 2021. Collection method: clinical testing. Allele origin: germline.
Comment: In silico analysis supports that this missense variant has a deleterious effect on protein structure/function; Has not been previously published as pathogenic or benign to our knowledge

Labcorp Genetics (formerly Invitae), Labcorp
Classification: Uncertain significance for Primary ciliary dyskinesia. Last evaluated: 2021-08-28. Review status: criteria provided, single submitter. Criteria: Invitae Variant Classification Sherloc (09022015). Collection method: clinical testing. Allele origin: germline.
Comment: This sequence change replaces tyrosine with cysteine at codon 429 of the RSPH4A protein (p.Tyr429Cys). The tyrosine residue is moderately conserved and there is a large physicochemical difference between tyrosine and cysteine. This variant is present in population databases (rs140079844, ExAC 0.02%). This variant has not been reported in the literature in individuals affected with RSPH4A-related conditions. Algorithms developed to predict the effect of missense changes on protein structure and function are either unavailable or do not agree on the potential impact of this missense change (SIFT: "Deleterious"; PolyPhen-2: "Probably Damaging"; Align-GVGD: "Class C0"). In summary, the available evidence is currently insufficient to determine the role of this variant in disease. Therefore, it has been classified as a Variant of Uncertain Significance.

Illumina Laboratory Services, Illumina
Classification: Uncertain significance for Primary ciliary dyskinesia 11. Last evaluated: 2018-01-12. Review status: criteria provided, single submitter. Criteria: ICSL Variant Classification Criteria 13 December 2019. Collection method: clinical testing. Allele origin: germline.

NM_001010892.3(RSPH4A):c.1286A>G (p.Tyr429Cys)

Gene: RSPH4A (radial spoke head component 4A; plus strand). Cytogenetic location: 6q22.1.
Variant type: single nucleotide variant.
Coding change: c.1286A>G on transcript NM_001010892.3 (MANE Select); coding-DNA position 1286, A replaced by G.
Protein change: p.Tyr429Cys; replaces tyrosine 429 with cysteine.
Molecular consequence: missense variant.
Genome position (GRCh38, 1-based): chr6:116,627,993, A>G. VCF-style: chr6-116627993-A-G. GRCh37 (hg19) VCF-style: chr6-116949156-A-G.
Other names: c.1286A>G, p.Tyr429Cys (NM_001161664.2); short protein forms Y429C.
Identifiers: ClinVar variation 454519 (VCV000454519.12), dbSNP rs140079844, ClinGen allele CA3970920.